The following is an entry in ClinVar:

ClinVar aggregate classification (germline): Conflicting classifications of pathogenicity. Review status: criteria provided, conflicting classifications (1 of 4 stars). 6 submissions from 6 submitters: Uncertain significance (2); Likely benign (2). 2 of the submissions do not count toward it. Last evaluated 2026-01-04.

Conditions:
RBP3-related disorder. Also called: RBP3-related condition.
Retinitis pigmentosa 66 (RP66). Identifiers: Orphanet 791, MedGen C3715216, MONDO:0014093, OMIM 615233.

Allele frequency attached by ClinVar (database versions not stated): gnomAD exomes 0.00030; ExAC 0.00032; 1000 Genomes Project 0.00060; 1000 Genomes Project 30x 0.00078; ESP Exome Variant Server 0.00123; TOPMed 0.00155.
gnomAD v4.1: 419 of 1,613,060 alleles (0.026%); highest among the groups gnomAD compares: African/African-American, 0.5%; 1 homozygote.

Submissions (6):

Labcorp Genetics (formerly Invitae), Labcorp
Classification: Likely benign. Last evaluated: 2026-01-04. Review status: criteria provided, single submitter. Criteria: Invitae Variant Classification Sherloc (09022015). Collection method: clinical testing. Allele origin: germline.

Blueprint Genetics
Classification: Likely benign. Last evaluated: 2024-10-07. Review status: criteria provided, single submitter. Criteria: ACMG Guidelines, 2015. Collection method: clinical testing. Allele origin: germline.

GeneDx
Classification: Uncertain significance. Last evaluated: 2024-06-07. Review status: criteria provided, single submitter. Criteria: GeneDx Variant Classification Process June 2021. Collection method: clinical testing. Allele origin: germline. Affected: yes.
Comment: Reported in a patient with autosomal recessive retinitis pigmentosa; however, additional clinical information was not provided (PMID: 19074801); In silico analysis indicates that this missense variant does not alter protein structure/function; This variant is associated with the following publications: (PMID: 19074801)

Revvity Omics, Revvity
Classification: Uncertain significance. Last evaluated: 2020-03-26. Review status: criteria provided, single submitter. Criteria: ACMG Guidelines, 2015. Collection method: clinical testing. Allele origin: germline.

PreventionGenetics, part of Exact Sciences
Classification: Likely benign for RBP3-related condition. Last evaluated: 2023-12-18. Review status: no assertion criteria provided. Collection method: clinical testing. Allele origin: germline. Not counted in ClinVar's aggregate classification.
Comment: This variant is classified as likely benign based on ACMG/AMP sequence variant interpretation guidelines (Richards et al. 2015 PMID: 25741868, with internal and published modifications).

ClinVar Staff, National Center for Biotechnology Information (NCBI)
Classification: Uncertain significance for Retinitis pigmentosa 66. Last evaluated: 2013-06-27. Review status: no assertion criteria provided. Collection method: literature only. Allele origin: germline. Affected: yes. Not counted in ClinVar's aggregate classification.

Literature cited by the submitters: PubMed 19074801 (cited by ClinVar Staff, National Center for Biotechnology Information (NCBI)).

NM_002900.3(RBP3):c.1569C>G (p.His523Gln)

Gene: RBP3 (retinol binding protein 3; plus strand). Cytogenetic location: 10q11.22.
Variant type: single nucleotide variant.
Coding change: c.1569C>G on transcript NM_002900.3 (MANE Select); coding-DNA position 1569, C replaced by G.
Protein change: p.His523Gln; replaces histidine 523 with glutamine.
Molecular consequence: missense variant.
Genome position (GRCh38, 1-based): chr10:47,350,053, C>G. VCF-style: chr10-47350053-C-G. GRCh37 (hg19) VCF-style: chr10-48389309-G-C.
Other names: short protein forms H523Q.
Identifiers: ClinVar variation 208307 (VCV000208307.15), dbSNP rs148093336, ClinGen allele CA350996.